The following is an entry in ClinVar:

NM_182961.4(SYNE1):c.19582C>T (p.Gln6528Ter)

Gene: SYNE1 (spectrin repeat containing nuclear envelope protein 1; minus strand). Cytogenetic location: 6q25.2.
Variant type: single nucleotide variant.
Coding change: c.19582C>T on transcript NM_182961.4 (MANE Select); coding-DNA position 19582, C replaced by T.
Protein change: p.Gln6528Ter; replaces glutamine 6528 with a stop codon.
Molecular consequence: nonsense.
Genome position (GRCh38, 1-based): chr6:152,244,647, G>A on the plus strand (C>T on the coding strand, the complement: SYNE1 is on the minus strand). VCF-style: chr6-152244647-G-A. GRCh37 (hg19) VCF-style: chr6-152565782-G-A.
Other names: c.19369C>T, p.Gln6457Ter (NM_033071.5); short protein forms Q6457*, Q6528*.
Identifiers: ClinVar variation 1807204 (VCV001807204.1), dbSNP rs2551734016, ClinGen allele CA366131213.

ClinVar aggregate classification (germline): Likely pathogenic (1 of 4 stars; one submission).

Submission:

Athena Diagnostics
Classification: Likely pathogenic. Last evaluated: 2022-06-07. Review status: criteria provided, single submitter. Criteria: Athena Diagnostics Criteria. Collection method: clinical testing. Allele origin: unknown.
Comment: This variant is expected to result in the loss of a functional protein. This variant has not been reported in large, multi-ethnic general populations.